The following is an entry in ClinVar:

NM_000166.6(GJB1):c.283G>A (p.Val95Met)

Gene: GJB1 (gap junction protein beta 1; plus strand). Cytogenetic location: Xq13.1.
Variant type: single nucleotide variant.
Coding change: c.283G>A on transcript NM_000166.6 (MANE Select); coding-DNA position 283, G replaced by A.
Protein change: p.Val95Met; replaces valine 95 with methionine.
Molecular consequence: missense variant.
Genome position (GRCh38, 1-based): chrX:71,223,990, G>A. VCF-style: chrX-71223990-G-A. GRCh37 (hg19) VCF-style: chrX-70443840-G-A.
Other names: c.283G>A, p.Val95Met (NM_001097642.3); short protein forms V95M.
Identifiers: ClinVar variation 10441 (VCV000010441.73), dbSNP rs104894821, ClinGen allele CA255254.

ClinVar aggregate classification (germline): Pathogenic/Likely pathogenic. Review status: criteria provided, multiple submitters, no conflicts (2 of 4 stars). 12 submissions from 12 submitters: Pathogenic (7); Likely pathogenic (2). 3 of the submissions do not count toward it. Last evaluated 2026-01-31.

Conditions:
Inborn genetic diseases. Identifiers: MedGen C0950123, MeSH D030342.
Charcot-Marie-Tooth disease. Also called: Charcot-Marie-Tooth Hereditary Neuropathy; Charcot-Marie-Tooth Neuropathy. Identifiers: Orphanet 166, MedGen C0007959, MONDO:0015626.
Charcot-Marie-Tooth Neuropathy X. Identifiers: MedGen CN118851.
Charcot-Marie-Tooth disease X-linked dominant 1. Also called: CHARCOT-MARIE-TOOTH NEUROPATHY, X-LINKED, 1; CHARCOT-MARIE-TOOTH PERONEAL MUSCULAR ATROPHY, X-LINKED; X-linked Charcot-Marie-Tooth disease type 1; Charcot-Marie-Tooth Neuropathy X Type 1; GJB1 Disorders: Charcot-Marie-Tooth Neuropathy (CMT1X) and Central Nervous System Phenotypes; HEREDITARY MOTOR AND SENSORY NEUROPATHY, X-LINKED. Identifiers: Orphanet 101075, MedGen C0393808, MONDO:0010549, OMIM 302800.

Submissions (12):

Labcorp Genetics (formerly Invitae), Labcorp
Classification: Pathogenic for Charcot-Marie-Tooth Neuropathy X. Last evaluated: 2026-01-31. Review status: criteria provided, single submitter. Criteria: Invitae Variant Classification Sherloc (09022015). Collection method: clinical testing. Allele origin: germline.
Comment: This sequence change replaces valine, which is neutral and non-polar, with methionine, which is neutral and non-polar, at codon 95 of the GJB1 protein (p.Val95Met). This variant is not present in population databases (gnomAD no frequency). This missense change has been observed in individual(s) with X-linked Charcot-Marie-Tooth (CMT) disease (PMID: 10586261, 10873293, 16922730, 21254193). It has also been observed to segregate with disease in related individuals. ClinVar contains an entry for this variant (Variation ID: 10441). Invitae Evidence Modeling of protein sequence and biophysical properties (such as structural, functional, and spatial information, amino acid conservation, physicochemical variation, residue mobility, and thermodynamic stability) indicates that this missense variant is expected to disrupt GJB1 protein function with a positive predictive value of 95%. Experimental studies have shown that this missense change affects GJB1 function (PMID: 9592087, 21254193). For these reasons, this variant has been classified as Pathogenic.

3billion
Classification: Pathogenic for Charcot-Marie-Tooth disease X-linked dominant 1. Last evaluated: 2026-01-06. Review status: criteria provided, single submitter. Criteria: ACMG Guidelines, 2015. Collection method: clinical testing. Allele origin: germline. Affected: yes.
Comment: The variant is not observed in the gnomAD v4.1.0 dataset. Predicted Consequence/Location: Missense variant In silico tool predictions suggest damaging effect of the variant on gene or gene product [REVEL: 0.96 (>=0.6, sensitivity 0.68 and specificity 0.92); 3Cnet: 1.00 (> 0.75, sensitivity 0.96 and precision 0.92)]. The same nucleotide change resulting in the same amino acid change has been previously reported as pathogenic/likely pathogenic with strong evidence (ClinVar ID: VCV000010441 /PMID: 7477983 /3billion dataset). The variant has been observed in multiple (>3) similarly affected unrelated individuals (PMID: 28448691). The variant has been reported to co-segregate with the disease in at least 3 similarly affected relatives/individuals in the same family or similarly affected unrelated families (PMID: 21254193). Therefore, this variant is classified as Pathogenic according to the recommendation of ACMG/AMP guideline.

Athena Diagnostics
Classification: Pathogenic. Last evaluated: 2025-08-27. Review status: criteria provided, single submitter. Criteria: Athena Diagnostics Criteria. Collection method: clinical testing. Allele origin: unknown.
Comment: This variant has not been reported in large, multi-ethnic general populations. This variant has been identified in multiple unrelated individuals with clinical features associated with this gene. This variant segregates with disease in multiple families. Assessment of experimental evidence suggests this variant results in abnormal protein function. (PMID: 9592087, 15006706)

GeneDx
Classification: Pathogenic. Last evaluated: 2023-02-14. Review status: criteria provided, single submitter. Criteria: GeneDx Variant Classification Process June 2021. Collection method: clinical testing. Allele origin: germline. Affected: yes.
Comment: Published functional studies demonstrate V95M prevents formation of functional channels (Ressot et al., 1998; Wang et al., 2004); Not observed at significant frequency in large population cohorts (gnomAD); Missense variants in this gene are often considered pathogenic (HGMD); In silico analysis supports that this missense variant has a deleterious effect on protein structure/function; This variant is associated with the following publications: (PMID: 23649551, 27098783, 23293578, 9361298, 9401007, 10873293, 15006706, 7477983, 29245364, 27025386, 16922730, 17353473, 10751669, 12067629, 10093067, 10586261, 9592087, 21254193, 31827005, 32399692, 32376792)

Ambry Genetics
Classification: Likely pathogenic for Inborn genetic diseases. Last evaluated: 2022-09-06. Review status: criteria provided, single submitter. Criteria: Ambry Variant Classification Scheme 2023. Collection method: clinical testing. Allele origin: germline.
Comment: The p.V95M variant (also known as c.283G>A), located in coding exon 1 of the GJB1 gene, results from a G to A substitution at nucleotide position 283. The valine at codon 95 is replaced by methionine, an amino acid with highly similar properties. This alteration has been detected in multiple individuals with Charcot-Marie-Tooth neuropathy X type 1 (CMTX1) (Volodarsky M et al. J Med Genet, 2021 04;58:284-288; Bone LJ et al. Neurology, 1995 Oct;45:1863-6; Hahn AF et al. Ann N Y Acad Sci, 1999 Sep;883:366-82; Dubourg O et al. Brain, 2001 Oct;124:1958-67; Liu X et al. Front Neurol, 2020 Jul;11:690; Kim JK et al. Medicine (Baltimore), 2017 Dec;96:e9176; Hong YB et al. J Peripher Nerv Syst, 2017 09;22:172-181; Sun B et al. J Peripher Nerv Syst, 2017 03;22:13-18; Shahrizaila N et al. Muscle Nerve, 2014 Feb;49:198-201; Montenegro G et al. Ann Neurol, 2011 Mar;69:464-70; Park HK et al. Clin Genet, 2006 Sep;70:253-6; Rouger H et al. Hum Mutat, 1997;10:443-52). Multiple functional assays show that V95M has reduced junctional conductance and diffusion of small molecules between cells in vitro (Wang HL et al. Neurobiol Dis, 2004 Mar;15:361-70; Ressot C et al. J Neurosci, 1998 Jun;18:4063-75). This variant is considered to be rare based on population cohorts in the Genome Aggregation Database (gnomAD). This amino acid position is highly conserved in available vertebrate species. In addition, this alteration is predicted to be deleterious by in silico analysis. Based on the majority of available evidence to date, this variant is likely to be pathogenic.

Greenwood Genetic Center Diagnostic Laboratories, Greenwood Genetic Center
Classification: Pathogenic for Charcot-Marie-Tooth disease X-linked dominant 1. Last evaluated: 2021-12-06. Review status: criteria provided, single submitter. Criteria: ACMG Guidelines, 2015. Collection method: clinical testing. Allele origin: germline. Affected: yes.
Comment: PS3, PS4, PM2, PP3

Revvity Omics, Revvity
Classification: Likely pathogenic for Charcot-Marie-Tooth disease X-linked dominant 1. Last evaluated: 2021-10-22. Review status: criteria provided, single submitter. Criteria: ACMG Guidelines, 2015. Collection method: clinical testing. Allele origin: germline.

ARUP Laboratories, Molecular Genetics and Genomics, ARUP Laboratories
Classification: Pathogenic for Charcot-Marie-Tooth disease X-linked dominant 1. Last evaluated: 2019-09-13. Review status: criteria provided, single submitter. Criteria: ARUP Molecular Germline Variant Investigation Process. Collection method: clinical testing. Allele origin: germline.
Comment: The GJB1 c.283G>A; p.Val95Met variant (rs104894821) is reported in the literature in multiple individuals affected with X-linked Charcot-Marie-Tooth disease (Bone 1995, Kim 2017, Nam 2016, Montenegro 2011). This variant is reported in ClinVar (Variation ID: 10441), and is absent from general population databases (Exome Variant Server, Genome Aggregation Database), indicating it is not a common polymorphism. The valine at codon 95 is highly conserved, and computational analyses (SIFT, PolyPhen-2) predict that this variant is deleterious. Functional analyses of the variant protein show a significant defect in channel formation and function (Ressot 1998, Wang 2004). Based on available information, this variant is considered to be pathogenic. References: Bone LJ et al. New connexin32 mutations associated with X-linked Charcot-Marie-Tooth disease. Neurology. 1995 Oct;45(10):1863-6. Kim JK et al. X-linked Charcot-Marie-Tooth disease with GJB1 mutation presenting as acute disseminated encephalomyelitis-like illness: A case report. Medicine (Baltimore). 2017 Dec;96(49):e9176. Montenegro G et al. Exome sequencing allows for rapid gene identification in a Charcot-Marie-Tooth family. Ann Neurol. 2011 Mar;69(3):464-70. Nam SH et al. Identification of Genetic Causes of Inherited Peripheral Neuropathies by Targeted Gene Panel Sequencing. Mol Cells. 2016 May 31;39(5):382-8. Ressot C et al. Connexin32 mutations associated with X-linked Charcot-Marie-Tooth disease show two distinct behaviors: loss of function and altered gating properties. J Neurosci. 1998 Jun 1;18(11):4063-75. Wang HL et al. Functional analysis of connexin-32 mutants associated with X-linked dominant Charcot-Marie-Tooth disease. Neurobiol Dis. 2004 Mar;15(2):361-70.

CeGaT Center for Human Genetics Tuebingen
Classification: Pathogenic. Last evaluated: 2016-09-01. Review status: criteria provided, single submitter. Criteria: CeGaT Center For Human Genetics Tuebingen Variant Classification Criteria Version 2. Collection method: clinical testing. Allele origin: germline. Affected: yes. Observed: 1 variant allele.

Natera, Inc.
Classification: Pathogenic for Charcot-Marie-Tooth disease. Last evaluated: 2017-09-27. Review status: no assertion criteria provided. Collection method: clinical testing. Allele origin: germline. Not counted in ClinVar's aggregate classification.

OMIM
Classification: Pathogenic for CHARCOT-MARIE-TOOTH DISEASE, X-LINKED DOMINANT, 1. Last evaluated: 2012-02-01. Review status: no assertion criteria provided. Collection method: literature only. Allele origin: germline. Not counted in ClinVar's aggregate classification.

Inherited Neuropathy Consortium
Classification: Uncertain significance for Charcot-Marie-Tooth disease. Review status: no assertion criteria provided. Collection method: literature only. Allele origin: germline. Affected: yes. Not counted in ClinVar's aggregate classification.

Literature cited by the submitters: PubMed 10586261 (cited by 3 submitters); PubMed 10873293 (cited by Labcorp Genetics (formerly Invitae), Labcorp and Athena Diagnostics); PubMed 16922730 (cited by 4 submitters); PubMed 21254193 (cited by 5 submitters); PubMed 9592087 (cited by 3 submitters); PubMed 28448691 (cited by 3 submitters); PubMed 7477983 (cited by 4 submitters); PubMed 37284795 (cited by Athena Diagnostics); PubMed 21291455 (cited by Athena Diagnostics and OMIM); PubMed 23649551 (cited by Athena Diagnostics and Ambry Genetics); PubMed 27862672 (cited by Athena Diagnostics and Ambry Genetics); PubMed 29245364 (cited by Athena Diagnostics and Ambry Genetics); PubMed 32903794 (cited by Athena Diagnostics and Ambry Genetics); PubMed 39569692 (cited by Athena Diagnostics); PubMed 15006706 (cited by Athena Diagnostics and Ambry Genetics); PubMed 9401007 (cited by Athena Diagnostics and Ambry Genetics); PubMed 11571214 (cited by Athena Diagnostics and Ambry Genetics); PubMed 32376792 (cited by Ambry Genetics).